The following is an entry in ClinVar:

ClinVar aggregate classification (germline): Likely benign. Review status: criteria provided, multiple submitters, no conflicts (2 of 4 stars). 3 submissions from 3 submitters: Likely benign (2). 1 of the submissions does not count toward it. Last evaluated 2025-06-16.

Conditions:
PRDM13-related disorder. Also called: PRDM13-related condition.

Allele frequency attached by ClinVar (database versions not stated): gnomAD exomes 0.00004 and 0.00011; ExAC 0.00015; 1000 Genomes Project 30x 0.00016; ESP Exome Variant Server 0.00025; gnomAD 0.00048 and 0.00050; TOPMed 0.00061.
gnomAD v4.1: 136 of 1,610,066 alleles (0.0084%); highest among the groups gnomAD compares: African/African-American, 0.16%; no homozygotes.

Submissions (3):

Labcorp Genetics (formerly Invitae), Labcorp
Classification: Likely benign. Last evaluated: 2025-06-16. Review status: criteria provided, single submitter. Criteria: Invitae Variant Classification Sherloc (09022015). Collection method: clinical testing. Allele origin: germline.

Blueprint Genetics
Classification: Likely benign. Last evaluated: 2024-10-18. Review status: criteria provided, single submitter. Criteria: ACMG Guidelines, 2015. Collection method: clinical testing. Allele origin: germline.

PreventionGenetics, part of Exact Sciences
Classification: Likely benign for PRDM13-related condition. Last evaluated: 2019-09-23. Review status: no assertion criteria provided. Collection method: clinical testing. Allele origin: germline. Not counted in ClinVar's aggregate classification.
Comment: This variant is classified as likely benign based on ACMG/AMP sequence variant interpretation guidelines (Richards et al. 2015 PMID: 25741868, with internal and published modifications).

NM_021620.4(PRDM13):c.1374C>A (p.Val458=)

Gene: PRDM13 (PR/SET domain 13; plus strand). Cytogenetic location: 6q16.2.
Variant type: single nucleotide variant.
Coding change: c.1374C>A on transcript NM_021620.4 (MANE Select); coding-DNA position 1374, C replaced by A.
Protein change: p.Val458=; no amino-acid change (valine 458 retained).
Molecular consequence: synonymous variant.
Genome position (GRCh38, 1-based): chr6:99,614,009, C>A. VCF-style: chr6-99614009-C-A. GRCh37 (hg19) VCF-style: chr6-100061885-C-A.
Identifiers: ClinVar variation 726858 (VCV000726858.14), dbSNP rs377263054, ClinGen allele CA3936373.